The following is an entry in ClinVar:

ClinVar aggregate classification (germline): Pathogenic. Review status: reviewed by expert panel (3 of 4 stars). 2 submissions from 2 submitters: Pathogenic (1). 1 of the submissions does not count toward it. Last evaluated 2020-11-09.

Conditions:
Phenylketonuria (PKU). Also called: Phenylketonuria (PKU); FOLLING DISEASE; OLIGOPHRENIA PHENYLPYRUVICA; Phenylketonurias. Identifiers: Orphanet 716, MedGen C0031485, MONDO:0009861, OMIM 261600. Disease mechanism: loss of function.

gnomAD v4.1: 3 of 1,613,686 alleles (0.00019%); highest among the groups gnomAD compares: Non-Finnish European, 0.00025%; no homozygotes.

Submissions (2):

ClinGen PAH Variant Curation Expert Panel
Classification: Pathogenic for Phenylketonuria. Last evaluated: 2020-11-09. Review status: reviewed by expert panel. Criteria: ClinGen PAH ACMG Specifications v1. Collection method: curation. Allele origin: germline. Inheritance: Autosomal recessive inheritance.
Comment: The c.699C>A (p.Phe233Leu) variant in PAH has been reported in multiple individuals with PKU (BH4 deficiency excluded), detected in trans with pathogenic variants: p.S70del (PMID: 24705691); p.Ala403Val, p.Arg243Gln (PMID: 23500595). This variant is absent in population databases. Computational prediction tools and conservation analysis support a deleterious effect. Another variant at the same amino acid (p.F233I) is interpreted as pathogenic by the ClinGen PAH VCEP. In summary, this variant meets criteria to be classified as pathogenic for PAH. PAH-specific ACMG/AMP criteria applied: PM3_strong, PM2, PM5, PP4_Moderate, PP3.

DeBelle Laboratory for Biochemical Genetics, MUHC/MCH RESEARCH INSTITUTE
No classification provided. Review status: no classification provided. Collection method: not provided. Allele origin: not provided. Not counted in ClinVar's aggregate classification.

Literature cited by the submitters: PubMed 24705691 (cited by ClinGen PAH Variant Curation Expert Panel); PubMed 9012412 (cited by ClinGen PAH Variant Curation Expert Panel).

NM_000277.3(PAH):c.699C>A (p.Phe233Leu)

Gene: PAH (phenylalanine hydroxylase; minus strand). Cytogenetic location: 12q23.2.
Variant type: single nucleotide variant.
Coding change: c.699C>A on transcript NM_000277.3 (MANE Select); coding-DNA position 699, C replaced by A.
Protein change: p.Phe233Leu; replaces phenylalanine 233 with leucine.
Molecular consequence: missense variant.
Genome position (GRCh38, 1-based): chr12:102,855,143, G>T on the plus strand (C>A on the coding strand, the complement: PAH is on the minus strand). VCF-style: chr12-102855143-G-T. GRCh37 (hg19) VCF-style: chr12-103248921-G-T.
Other names: NM_000277.2(PAH):c.699C>A; c.699C>A, p.Phe233Leu (NM_001354304.2); short protein forms F233L.
Identifiers: ClinVar variation 102790 (VCV000102790.2), dbSNP rs62517208, ClinGen allele CA229699.